The following is an entry in ClinVar:

NM_021076.4(NEFH):c.27G>A (p.Ala9=)

Gene: NEFH (neurofilament heavy chain; plus strand). Cytogenetic location: 22q12.2.
Variant type: single nucleotide variant.
Coding change: c.27G>A on transcript NM_021076.4 (MANE Select); coding-DNA position 27, G replaced by A.
Protein change: p.Ala9=; no amino-acid change (alanine 9 retained).
Molecular consequence: synonymous variant.
Genome position (GRCh38, 1-based): chr22:29,480,289, G>A. VCF-style: chr22-29480289-G-A. GRCh37 (hg19) VCF-style: chr22-29876278-G-A.
Identifiers: ClinVar variation 2653045 (VCV002653045.28), dbSNP rs745632920, ClinGen allele CA10173954.
Genomic context (GRCh38, chr22:29,480,289, plus strand): 5'-CGCCCCGTCCCGGCCTCGCGCACCTGCTCAGGCCATGATGAGCTTCGGCGGCGCGGACGC[G>A]CTGCTGGGCGCCCCGTTCGCGCCGCTGCATGGCGGCGGCAGCCTCCACTACGCGCTAGCC-3'
Protein context (NP_066554.2, residues 1-19): MMSFGGAD[Ala9=]LLGAPFAPLH

ClinVar aggregate classification (germline): Likely benign. Review status: criteria provided, multiple submitters, no conflicts (2 of 4 stars). 3 submissions from 3 submitters: Likely benign (3). Last evaluated 2025-10-01.

Allele frequency attached by ClinVar (database versions not stated): gnomAD 0.00001; TOPMed 0.00001; gnomAD exomes 0.00002.
gnomAD v4.1: 36 of 1,506,418 alleles (0.0024%); highest among the groups gnomAD compares: Middle Eastern, 0.021%; 1 homozygote.

Submissions (3):

Labcorp Genetics (formerly Invitae), Labcorp
Classification: Likely benign. Last evaluated: 2025-10-01. Review status: criteria provided, single submitter. Criteria: Invitae Variant Classification Sherloc (09022015). Collection method: clinical testing. Allele origin: germline.

Blueprint Genetics
Classification: Likely benign. Last evaluated: 2024-11-17. Review status: criteria provided, single submitter. Criteria: ACMG Guidelines, 2015. Collection method: clinical testing. Allele origin: germline.

CeGaT Center for Human Genetics Tuebingen
Classification: Likely benign. Last evaluated: 2024-02-01. Review status: criteria provided, single submitter. Criteria: CeGaT Center For Human Genetics Tuebingen Variant Classification Criteria Version 2. Collection method: clinical testing. Allele origin: germline. Affected: yes. Observed: 2 variant alleles.
Comment: NEFH: BP4, BP7